The following is an entry in ClinVar:

ClinVar aggregate classification (germline): Benign. Review status: criteria provided, multiple submitters, no conflicts (2 of 4 stars). 2 submissions from 2 submitters: Benign (2). Last evaluated 2018-06-14.

Allele frequency attached by ClinVar (database versions not stated): gnomAD 0.67285 and 0.66969; 1000 Genomes Project 30x 0.72236; TOPMed 0.67915; 1000 Genomes Project 0.72424.

Submissions (2):

GeneDx
Classification: Benign. Last evaluated: 2018-06-14. Review status: criteria provided, single submitter. Criteria: GeneDx Variant Classification (06012015). Collection method: clinical testing. Allele origin: germline. Affected: yes.
Comment: This variant is considered likely benign or benign based on one or more of the following criteria: it is a conservative change, it occurs at a poorly conserved position in the protein, it is predicted to be benign by multiple in silico algorithms, and/or has population frequency not consistent with disease.

Breakthrough Genomics
Classification: Benign. Review status: criteria provided, single submitter. Criteria: ACMG Guidelines, 2015. Collection method: not provided. Allele origin: germline. Inheritance: Autosomal recessive inheritance. Affected: yes.

NM_174889.4(NDUFAF2):c.-97A>G

Gene: NDUFAF2 (NADH:ubiquinone oxidoreductase complex assembly factor 2; plus strand). Cytogenetic location: 5q12.1.
Variant type: single nucleotide variant.
Coding change: c.-97A>G on transcript NM_174889.4; 97 bases upstream of the start codon, A replaced by G.
Genome position (GRCh38, 1-based): chr5:60,945,159, A>G. VCF-style: chr5-60945159-A-G. GRCh37 (hg19) VCF-style: chr5-60240986-A-G.
Identifiers: ClinVar variation 354027 (VCV000354027.9), dbSNP rs158922, ClinGen allele CA10620686.